The following is an entry in ClinVar:

ClinVar aggregate classification (germline): Uncertain significance (1 of 4 stars; one submission).

Conditions:
Progressive myoclonic epilepsy type 8. Identifiers: Orphanet 424027, MedGen C5190825, MONDO:0014545, OMIM 616230.

Allele frequency attached by ClinVar (database versions not stated): TOPMed below 0.00001; gnomAD 0.00001.
gnomAD v4.1: 1 of 1,604,412 alleles (0.000062%); highest among the groups gnomAD compares: Non-Finnish European, 0.000085%; no homozygotes.

Submission:

Labcorp Genetics (formerly Invitae), Labcorp
Classification: Uncertain significance for Progressive myoclonic epilepsy type 8. Last evaluated: 2024-01-02. Review status: criteria provided, single submitter. Criteria: Invitae Variant Classification Sherloc (09022015). Collection method: clinical testing. Allele origin: germline.
Comment: This sequence change replaces histidine, which is basic and polar, with tyrosine, which is neutral and polar, at codon 269 of the CERS1 protein (p.His269Tyr). This variant is not present in population databases (gnomAD no frequency). This variant has not been reported in the literature in individuals affected with CERS1-related conditions. ClinVar contains an entry for this variant (Variation ID: 1917315). Advanced modeling of protein sequence and biophysical properties (such as structural, functional, and spatial information, amino acid conservation, physicochemical variation, residue mobility, and thermodynamic stability) performed at Invitae indicates that this missense variant is not expected to disrupt CERS1 protein function with a negative predictive value of 80%. In summary, the available evidence is currently insufficient to determine the role of this variant in disease. Therefore, it has been classified as a Variant of Uncertain Significance.

NM_021267.5(CERS1):c.805C>T (p.His269Tyr)

Genes: CERS1 (ceramide synthase 1; minus strand), GDF1 (growth differentiation factor 1; minus strand). Cytogenetic location: 19p13.11.
Variant type: single nucleotide variant.
Coding change: c.805C>T on transcript NM_021267.5 (MANE Select); coding-DNA position 805, C replaced by T.
Protein change: p.His269Tyr; replaces histidine 269 with tyrosine.
Molecular consequence: missense variant. On other transcripts: 5 prime UTR variant (1), intron variant (1).
Genome position (GRCh38, 1-based): chr19:18,879,336, G>A on the plus strand (C>T on the coding strand, the complement: CERS1 is on the minus strand). VCF-style: chr19-18879336-G-A. GRCh37 (hg19) VCF-style: chr19-18990145-G-A.
Other names: c.511C>T, p.His171Tyr (NM_001290265.2, NM_001387442.1, NM_001387443.1 and 2 more transcripts); c.805C>T, p.His269Tyr (NM_001387439.1, NM_001387440.1, NM_198207.3); c.760C>T, p.His254Tyr (NM_001387441.1); c.-518C>T (NM_001492.6); c.-313+4751C>T (NM_001387438.1); short protein forms H171Y, H254Y, H269Y.
Identifiers: ClinVar variation 1917315 (VCV001917315.5), dbSNP rs2056136065, ClinGen allele CA404865573.